The following is an entry in ClinVar:

ClinVar aggregate classification (germline): Uncertain significance. Review status: criteria provided, multiple submitters, no conflicts (2 of 4 stars). 3 submissions from 3 submitters: Uncertain significance (2). 1 of the submissions does not count toward it. Last evaluated 2025-06-12.

Conditions:
Alstrom syndrome (ALMS). Identifiers: Orphanet 64, MedGen C0268425, MONDO:0008763, OMIM 203800.

Allele frequency attached by ClinVar (database versions not stated): gnomAD exomes below 0.00001 and 0.00001.
gnomAD v4.1: 10 of 1,614,210 alleles (0.00062%); highest among the groups gnomAD compares: Non-Finnish European, 0.00076%; no homozygotes.

Submissions (3):

Labcorp Genetics (formerly Invitae), Labcorp
Classification: Uncertain significance for Alstrom syndrome. Last evaluated: 2025-06-12. Review status: criteria provided, single submitter. Criteria: Invitae Variant Classification Sherloc (09022015). Collection method: clinical testing. Allele origin: germline.
Comment: This sequence change replaces serine, which is neutral and polar, with proline, which is neutral and non-polar, at codon 3046 of the ALMS1 protein (p.Ser3046Pro). This variant is present in population databases (no rsID available, gnomAD no frequency). This variant has not been reported in the literature in individuals affected with ALMS1-related conditions. ClinVar contains an entry for this variant (Variation ID: 1008559). Experimental studies and prediction algorithms are not available or were not evaluated, and the functional significance of this variant is currently unknown. In summary, the available evidence is currently insufficient to determine the role of this variant in disease. Therefore, it has been classified as a Variant of Uncertain Significance.

GeneDx
Classification: Uncertain significance. Last evaluated: 2024-08-06. Review status: criteria provided, single submitter. Criteria: GeneDx Variant Classification Process June 2021. Collection method: clinical testing. Allele origin: germline. Affected: yes.
Comment: Not observed at significant frequency in large population cohorts (gnomAD); In silico analysis supports that this missense variant has a deleterious effect on protein structure/function; Has not been previously published as pathogenic or benign to our knowledge

Natera, Inc.
Classification: Uncertain significance for Alstrom syndrome. Last evaluated: 2020-10-13. Review status: no assertion criteria provided. Collection method: clinical testing. Allele origin: germline. Not counted in ClinVar's aggregate classification.

NM_001378454.1(ALMS1):c.9133T>C (p.Ser3045Pro)

Gene: ALMS1 (ALMS1 centrosome and basal body associated protein; plus strand). Cytogenetic location: 2p13.1.
Variant type: single nucleotide variant.
Coding change: c.9133T>C on transcript NM_001378454.1 (MANE Select); coding-DNA position 9133, T replaced by C.
Protein change: p.Ser3045Pro; replaces serine 3045 with proline.
Molecular consequence: missense variant.
Genome position (GRCh38, 1-based): chr2:73,491,092, T>C. VCF-style: chr2-73491092-T-C. GRCh37 (hg19) VCF-style: chr2-73718219-T-C.
Other names: c.9136T>C, p.Ser3046Pro (NM_015120.4); short protein forms S3045P, S3046P.
Identifiers: ClinVar variation 1008559 (VCV001008559.8), dbSNP rs1300179474, ClinGen allele CA347273206.